The following is an entry in ClinVar:

NM_000071.3(CBS):c.450C>G (p.Thr150=)

Gene: CBS (cystathionine beta-synthase; minus strand). Cytogenetic location: 21q22.3.
Variant type: single nucleotide variant.
Coding change: c.450C>G on transcript NM_000071.3 (MANE Select); coding-DNA position 450, C replaced by G.
Protein change: p.Thr150=; no amino-acid change (threonine 150 retained).
Molecular consequence: synonymous variant.
Genome position (GRCh38, 1-based): chr21:43,066,244, G>C on the plus strand (C>G on the coding strand, the complement: CBS is on the minus strand). VCF-style: chr21-43066244-G-C. GRCh37 (hg19) VCF-style: chr21-44486354-G-C.
Other names: c.450C>G, p.Thr150= (NM_001178008.3, NM_001178009.3, NM_001320298.2); c.135C>G, p.Thr45= (NM_001321072.1).
Identifiers: ClinVar variation 4063993 (VCV004063993.2).

ClinVar aggregate classification (germline): Uncertain significance. Review status: criteria provided, single submitter (1 of 4 stars). 2 submissions from 2 submitters: Uncertain significance (1). 1 of the submissions does not count toward it. Last evaluated 2026-04-30.

Conditions:
Classic homocystinuria. Also called: Homocystinuria due to Cystathionine Beta-Synthase Deficiency; Homocystinuria due to CBS deficiency; Cystathionine beta-synthase deficiency; CBS deficiency; HOMOCYSTINURIA WITH OR WITHOUT RESPONSE TO PYRIDOXINE. Identifiers: Orphanet 394, MedGen C0751202, MONDO:0009352, OMIM 236200.

Submissions (2):

Women's Health and Genetics/Laboratory Corporation of America, LabCorp
Classification: Uncertain significance. Last evaluated: 2026-04-30. Review status: criteria provided, single submitter. Criteria: LabCorp Variant Classification Summary - May 2015. Collection method: clinical testing. Allele origin: germline.
Comment: Variant summary: CBS c.450C>G (p.Thr150Thr) alters a conserved nucleotide located close to a canonical splice site and therefore could affect mRNA splicing, leading to a significantly altered protein sequence. Consensus agreement among computation tools predict no significant impact on normal splicing. However, these predictions have yet to be confirmed by functional studies. The variant was absent in 248960 control chromosomes. The available data on variant occurrences in the general population are insufficient to allow any conclusion about variant significance. To our knowledge, no occurrence of c.450C>G in individuals affected with CBS-related conditions and no experimental evidence demonstrating its impact on protein function have been reported. ClinVar contains an entry for this variant (Variation ID: 4063993). Based on the evidence outlined above, the variant was classified as uncertain significance.

Natera, Inc.
Classification: Uncertain significance for Homocystinuria due to cystathionine beta-synthase deficiency. Last evaluated: 2025-04-14. Review status: no assertion criteria provided. Collection method: clinical testing. Allele origin: germline. Not counted in ClinVar's aggregate classification.